The following is an entry in ClinVar:

NM_024675.4(PALB2):c.1578T>C (p.His526=)

Gene: PALB2 (partner and localizer of BRCA2; minus strand). Cytogenetic location: 16p12.2.
Variant type: single nucleotide variant.
Coding change: c.1578T>C on transcript NM_024675.4 (MANE Select); coding-DNA position 1578, T replaced by C.
Protein change: p.His526=; no amino-acid change (histidine 526 retained).
Molecular consequence: synonymous variant.
Genome position (GRCh38, 1-based): chr16:23,634,968, A>G on the plus strand (T>C on the coding strand, the complement: PALB2 is on the minus strand). VCF-style: chr16-23634968-A-G. GRCh37 (hg19) VCF-style: chr16-23646289-A-G.
Identifiers: ClinVar variation 795606 (VCV000795606.12), dbSNP rs45603832, ClinGen allele CA279498168.

ClinVar aggregate classification (germline): Benign/Likely benign. Review status: criteria provided, multiple submitters, no conflicts (2 of 4 stars). 3 submissions from 3 submitters: Benign (1); Likely benign (2). Last evaluated 2025-01-14.

Conditions:
Hereditary cancer-predisposing syndrome. Also called: Neoplastic Syndromes, Hereditary; Hereditary neoplastic syndrome; Tumor predisposition; Hereditary Cancer Syndrome. Identifiers: Orphanet 140162, MedGen C0027672, MeSH D009386, MONDO:0015356.
Familial cancer of breast. Also called: hereditary breast carcinoma; Hereditary breast cancer; BREAST CANCER, FAMILIAL. Identifiers: Orphanet 227535, MedGen C0346153, MONDO:0016419, OMIM 114480. Disease mechanism: loss of function.

Submissions (3):

Myriad Genetics, Inc.
Classification: Benign for Familial cancer of breast. Last evaluated: 2025-01-14. Review status: criteria provided, single submitter. Criteria: Myriad Autosomal Dominant, Autosomal Recessive and X-Linked Classification Criteria (2023). Collection method: clinical testing. Allele origin: unknown.
Comment: This variant is considered benign. This variant is a silent/synonymous amino acid change and it is not expected to impact splicing.

Ambry Genetics
Classification: Likely benign for Hereditary cancer-predisposing syndrome. Last evaluated: 2022-11-30. Review status: criteria provided, single submitter. Criteria: Ambry Variant Classification Scheme 2023. Collection method: clinical testing. Allele origin: germline.

Labcorp Genetics (formerly Invitae), Labcorp
Classification: Likely benign for Familial cancer of breast. Last evaluated: 2022-09-20. Review status: criteria provided, single submitter. Criteria: Invitae Variant Classification Sherloc (09022015). Collection method: clinical testing. Allele origin: germline.